The following is an entry in ClinVar:

NM_019108.4(SMG9):c.658G>A (p.Val220Ile)

Gene: SMG9 (SMG9 nonsense mediated mRNA decay factor; minus strand). Cytogenetic location: 19q13.31.
Variant type: single nucleotide variant.
Coding change: c.658G>A on transcript NM_019108.4 (MANE Select); coding-DNA position 658, G replaced by A.
Protein change: p.Val220Ile; replaces valine 220 with isoleucine.
Molecular consequence: missense variant.
Genome position (GRCh38, 1-based): chr19:43,744,815, C>T on the plus strand (G>A on the coding strand, the complement: SMG9 is on the minus strand). VCF-style: chr19-43744815-C-T. GRCh37 (hg19) VCF-style: chr19-44248967-C-T.
Other names: short protein forms V220I.
Identifiers: ClinVar variation 2573805 (VCV002573805.3), dbSNP rs751294942, ClinGen allele CA9491442.

ClinVar aggregate classification (germline): Uncertain significance. Review status: criteria provided, multiple submitters, no conflicts (2 of 4 stars). 2 submissions from 2 submitters: Uncertain significance (2). Last evaluated 2026-01-31.

Conditions:
Inborn genetic diseases. Identifiers: MedGen C0950123, MeSH D030342.

Allele frequency attached by ClinVar (database versions not stated): ExAC 0.00003; gnomAD 0.00005; gnomAD exomes 0.00006; TOPMed 0.00015.
gnomAD v4.1: 98 of 1,613,892 alleles (0.0061%); highest among the groups gnomAD compares: Admixed American, 0.05%; no homozygotes.

Submissions (2):

GeneDx
Classification: Uncertain significance. Last evaluated: 2026-01-31. Review status: criteria provided, single submitter. Criteria: GeneDx Variant Classification Process June 2021. Collection method: clinical testing. Allele origin: germline.
Comment: In silico analysis suggests that this missense variant does not alter protein structure/function; Has not been previously published as pathogenic or benign to our knowledge

Ambry Genetics
Classification: Uncertain significance for Inborn genetic diseases. Last evaluated: 2022-10-25. Review status: criteria provided, single submitter. Criteria: Ambry Variant Classification Scheme 2023. Collection method: clinical testing. Allele origin: germline.